The following is an entry in ClinVar:

ClinVar aggregate classification (germline): Uncertain significance. Review status: criteria provided, multiple submitters, no conflicts (2 of 4 stars). 3 submissions from 3 submitters: Uncertain significance (3). Last evaluated 2025-12-17.

Conditions:
Hereditary cancer-predisposing syndrome. Also called: Tumor predisposition; Neoplastic Syndromes, Hereditary; Hereditary neoplastic syndrome; Hereditary Cancer Syndrome. Identifiers: Orphanet 140162, MedGen C0027672, MeSH D009386, MONDO:0015356.
Familial adenomatous polyposis 2. Also called: MYH-associated polyposis; FAP type 2; COLORECTAL ADENOMATOUS POLYPOSIS, AUTOSOMAL RECESSIVE; ADENOMAS, MULTIPLE COLORECTAL, AUTOSOMAL RECESSIVE; MUTYH-related attenuated familial adenomatous polyposis; MUTYH Polyposis. Identifiers: Orphanet 220460, Orphanet 247798, MedGen C3272841, MONDO:0012041, OMIM 608456.

Submissions (3):

Labcorp Genetics (formerly Invitae), Labcorp
Classification: Uncertain significance for Familial adenomatous polyposis 2. Last evaluated: 2025-12-17. Review status: criteria provided, single submitter. Criteria: Invitae Variant Classification Sherloc (09022015). Collection method: clinical testing. Allele origin: germline.
Comment: This sequence change replaces leucine, which is neutral and non-polar, with phenylalanine, which is neutral and non-polar, at codon 415 of the MUTYH protein (p.Leu415Phe). This variant is not present in population databases (gnomAD no frequency). This variant has not been reported in the literature in individuals affected with MUTYH-related conditions. ClinVar contains an entry for this variant (Variation ID: 566859). An algorithm developed to predict the effect of missense changes on protein structure and function (PolyPhen-2) suggests that this variant is likely to be tolerated. In summary, the available evidence is currently insufficient to determine the role of this variant in disease. Therefore, it has been classified as a Variant of Uncertain Significance.

Ambry Genetics
Classification: Uncertain significance for Hereditary cancer-predisposing syndrome. Last evaluated: 2024-03-25. Review status: criteria provided, single submitter. Criteria: Ambry Variant Classification Scheme 2023. Collection method: clinical testing. Allele origin: germline.
Comment: The p.L415F variant (also known as c.1243C>T), located in coding exon 13 of the MUTYH gene, results from a C to T substitution at nucleotide position 1243. The leucine at codon 415 is replaced by phenylalanine, an amino acid with highly similar properties. This amino acid position is poorly conserved in available vertebrate species. In addition, this alteration is predicted to be tolerated by in silico analysis. Since supporting evidence is limited at this time, the clinical significance of this alteration remains unclear.

Color Diagnostics, LLC DBA Color Health
Classification: Uncertain significance for Hereditary cancer-predisposing syndrome. Last evaluated: 2024-03-06. Review status: criteria provided, single submitter. Criteria: ACMG Guidelines, 2015. Collection method: clinical testing. Allele origin: germline.
Comment: This missense variant replaces leucine with phenylalanine at codon 415 of the MUTYH protein. Computational prediction suggests that this variant may not impact protein structure and function (internally defined REVEL score threshold <= 0.5, PMID: 27666373). To our knowledge, functional studies have not been reported for this variant. This variant has not been reported in individuals affected with hereditary cancer in the literature. This variant has not been identified in the general population by the Genome Aggregation Database (gnomAD). The available evidence is insufficient to determine the role of this variant in disease conclusively. Therefore, this variant is classified as a Variant of Uncertain Significance.

NM_001048174.2(MUTYH):c.1159C>T (p.Leu387Phe)

Gene: MUTYH (mutY DNA glycosylase; minus strand). Cytogenetic location: 1p34.1.
Variant type: single nucleotide variant.
Coding change: c.1159C>T on transcript NM_001048174.2 (MANE Select); coding-DNA position 1159, C replaced by T.
Protein change: p.Leu387Phe; replaces leucine 387 with phenylalanine.
Molecular consequence: missense variant. On other transcripts: non-coding transcript variant (2).
Genome position (GRCh38, 1-based): chr1:45,331,500, G>A on the plus strand (C>T on the coding strand, the complement: MUTYH is on the minus strand). VCF-style: chr1-45331500-G-A. GRCh37 (hg19) VCF-style: chr1-45797172-G-A.
Other names: c.1159C>T, p.Leu387Phe (NM_001048171.2, NM_001048173.2, NM_001293195.2); c.1162C>T, p.Leu388Phe (NM_001048172.2); c.1243C>T, p.Leu415Phe (NM_001128425.2); c.1204C>T, p.Leu402Phe (NM_001293190.2); c.1192C>T, p.Leu398Phe (NM_001293191.2); c.883C>T, p.Leu295Phe (NM_001293192.2, NM_001293196.2); c.814C>T, p.Leu272Phe (NM_001350650.2, NM_001350651.2); c.1234C>T, p.Leu412Phe (NM_012222.3); short protein forms L415F, L402F, L272F, L387F, L388F, L398F, L295F, L412F.
Identifiers: ClinVar variation 566859 (VCV000566859.17), dbSNP rs1557460984, ClinGen allele CA340132978.
Genomic context (GRCh38, chr1:45,331,500, plus strand): 5'-GCGTGGCTGGGAGGGGCCCAGCCCAACGCTGTAGTTCCTGCAGCAGGGCCTTGCGCTGAA[G>A]CTGCTCTGAGGGCTCCCAGGTCACGGACGGGAACTCCCACAGTCCTGCCAGCAGACCTGA-3'
Protein context (NP_001041639.1, residues 377-397): PSVTWEPSEQ[Leu387Phe]QRKALLQELQ